The following is an entry in ClinVar:

NM_007294.4(BRCA1):c.219A>T (p.Leu73=)

Gene: BRCA1 (BRCA1 DNA repair associated; minus strand). Cytogenetic location: 17q21.31.
Variant type: single nucleotide variant.
Coding change: c.219A>T on transcript NM_007294.4 (MANE Select); coding-DNA position 219, A replaced by T.
Protein change: p.Leu73=; no amino-acid change (leucine 73 retained).
Molecular consequence: synonymous variant. On other transcripts: 5 prime UTR variant (7), intron variant (2).
Genome position (GRCh38, 1-based): chr17:43,104,950, T>A on the plus strand (A>T on the coding strand, the complement: BRCA1 is on the minus strand). VCF-style: chr17-43104950-T-A. GRCh37 (hg19) VCF-style: chr17-41256967-T-A.
Other names: c.9A>T, p.Leu3= (NM_001408479.1, NM_001408480.1, NM_001408481.1 and 58 more transcripts); c.219A>T, p.Leu73= (NM_001408494.1, NM_001408495.1, NM_007298.4 and 168 more transcripts); c.78A>T, p.Leu26= (NM_001408496.1, NM_001408497.1, NM_001408498.1 and 99 more transcripts); c.-163A>T (NM_001408510.1, NM_001408512.1, NM_001407959.1 and 4 more transcripts); c.-218-10090A>T (NM_001407967.1, NM_001407966.1); c.141A>T, p.Leu47= (NM_001407653.1, NM_001407654.1, NM_001407655.1 and 21 more transcripts); c.87A>T, p.Leu29= (NM_001408451.1).
Identifiers: ClinVar variation 865572 (VCV000865572.3), dbSNP rs876659123, ClinGen allele CA500127693.

Conditions:
Breast-ovarian cancer, familial, susceptibility to, 1 (BROVCA1). Also called: BRCA1 Hereditary Breast and Ovarian Cancer; OVARIAN CANCER, SUSCEPTIBILITY TO. Identifiers: Orphanet 145, MedGen C2676676, MONDO:0011450, OMIM 604370. Disease mechanism: loss of function.

Submission:

Brotman Baty Institute, University of Washington
No classification provided (evidence only). Condition: Breast-ovarian cancer, familial 1. Review status: no classification provided. Collection method: in vitro. Allele origin: not applicable. Functional consequence: functionally_normal.
ClinVar note: "not provided" was previously submitted as the classification for the variant. However, the classification appeared to be based only on an observation of functional data so it was converted to no classification on 2025-07-30.